The following is an entry in ClinVar:

ClinVar aggregate classification (germline): Conflicting classifications of pathogenicity. Review status: criteria provided, conflicting classifications (1 of 4 stars). 6 submissions from 6 submitters: Uncertain significance (4); Likely benign (2). Last evaluated 2026-01-14.

Conditions:
Inborn genetic diseases. Identifiers: MedGen C0950123, MeSH D030342.
USH2A-related disorder. Also called: USH2A-related disorders; USH2A-related condition. Identifiers: MedGen CN239332.

Allele frequency attached by ClinVar (database versions not stated): gnomAD 0.00003; TOPMed 0.00011; ExAC 0.00021; gnomAD exomes 0.00022.
gnomAD v4.1: 66 of 1,613,918 alleles (0.0041%); highest among the groups gnomAD compares: Admixed American, 0.11%; no homozygotes.

Submissions (6):

Labcorp Genetics (formerly Invitae), Labcorp
Classification: Likely benign. Last evaluated: 2026-01-14. Review status: criteria provided, single submitter. Criteria: Invitae Variant Classification Sherloc (09022015). Collection method: clinical testing. Allele origin: germline.

PreventionGenetics, part of Exact Sciences
Classification: Likely benign for USH2A-related condition. Last evaluated: 2025-07-03. Review status: criteria provided, single submitter. Criteria: ACMG Guidelines, 2015. Collection method: clinical testing. Allele origin: germline.
Comment: This variant is classified as likely benign based on ACMG/AMP sequence variant interpretation guidelines (Richards et al. 2015 PMID: 25741868, with internal and published modifications).

Ambry Genetics
Classification: Uncertain significance for Inborn genetic diseases. Last evaluated: 2025-01-24. Review status: criteria provided, single submitter. Criteria: Ambry Variant Classification Scheme 2023. Collection method: clinical testing. Allele origin: germline.

GeneDx
Classification: Uncertain significance. Last evaluated: 2024-06-18. Review status: criteria provided, single submitter. Criteria: GeneDx Variant Classification Process June 2021. Collection method: clinical testing. Allele origin: germline. Affected: yes.
Comment: Identified in a patient with bilateral hearing loss and variants in additional genes in published literature (PMID: 34515852); In silico analysis supports that this missense variant has a deleterious effect on protein structure/function; This variant is associated with the following publications: (PMID: 34515852)

Blueprint Genetics
Classification: Uncertain significance. Last evaluated: 2022-11-23. Review status: criteria provided, single submitter. Criteria: ACMG Guidelines, 2015. Collection method: clinical testing. Allele origin: germline.

Laboratory for Molecular Medicine, Mass General Brigham Personalized Medicine
Classification: Uncertain significance. Last evaluated: 2011-10-31. Review status: criteria provided, single submitter. Criteria: LMM Criteria. Collection method: clinical testing. Allele origin: germline. Observed: 1 variant allele.
Comment: Variant classified as Uncertain Significance - Favor Benign. The Asn3330Ile vari ant in USH2A has not been reported in the literature nor previously identified b y our laboratory. This residue is conserved across species and computational ana lyses (PolyPhen2, SIFT, AlignGVGD) suggest that the Asn3330Ile variant may impac t the protein. However, this information is not predictive enough to assume path ogenicity. In summary, the clinical significance of this variant cannot be deter mined with certainty at this time.

NM_206933.4(USH2A):c.9989A>T (p.Asn3330Ile)

Gene: USH2A (usherin; minus strand). Cytogenetic location: 1q41.
Variant type: single nucleotide variant.
Coding change: c.9989A>T on transcript NM_206933.4 (MANE Select); coding-DNA position 9989, A replaced by T.
Protein change: p.Asn3330Ile; replaces asparagine 3330 with isoleucine.
Molecular consequence: missense variant.
Genome position (GRCh38, 1-based): chr1:215,790,252, T>A on the plus strand (A>T on the coding strand, the complement: USH2A is on the minus strand). VCF-style: chr1-215790252-T-A. GRCh37 (hg19) VCF-style: chr1-215963594-T-A.
Other names: short protein forms N3330I.
Identifiers: ClinVar variation 48637 (VCV000048637.26), dbSNP rs397518050, ClinGen allele CA143677.
Genomic context (GRCh38, chr1:215,790,252, plus strand): 5'-TTTTTAATATGTGCTTTAGACTCTCCACTGGAAGCTGAGCAGCATATGGTATCTGACATA[T>A]TCACATAATCCTGCCCACAACAGAACATACCTGCAACAATAAAATGTTATATATGAATAT-3'
Protein context (NP_996816.3, residues 3320-3340): GMFCCGQDYV[Asn3330Ile]MSDTICCSAS